The following is an entry in ClinVar:

ClinVar aggregate classification (germline): Uncertain significance (1 of 4 stars; one submission).

Submission:

CeGaT Center for Human Genetics Tuebingen
Classification: Uncertain significance. Last evaluated: 2023-01-01. Review status: criteria provided, single submitter. Criteria: CeGaT Center For Human Genetics Tuebingen Variant Classification Criteria Version 2. Collection method: clinical testing. Allele origin: germline. Affected: yes. Observed: 1 variant allele.
Comment: MGAT5B: PM2

NM_001199172.2(MGAT5B):c.1252_1262del (p.Tyr418fs)

Gene: MGAT5B (alpha-1,6-mannosylglycoprotein 6-beta-N-acetylglucosaminyltransferase B; plus strand). Cytogenetic location: 17q25.2.
Variant type: Deletion.
Coding change: c.1252_1262del on transcript NM_001199172.2 (MANE Select); coding-DNA positions 1252 to 1262, 11 bases deleted (TACTGGAACCT).
Protein change: p.Tyr418fs; shifts the reading frame from tyrosine 418.
Molecular consequence: frameshift variant.
Genome position (GRCh38, 1-based): chr17:76,926,691-76,926,701, TACTGGAACCT deleted. VCF-style (leftmost placement, unchanged base first): chr17-76926690-CTACTGGAACCT-C. GRCh37 (hg19) VCF-style: chr17-74922772-CTACTGGAACCT-C.
Other names: c.1285_1295del, p.Tyr429fs (NM_198955.1); c.1252_1262del, p.Tyr418fs (NM_144677.3); short protein forms Y418fs, Y429fs.
Identifiers: ClinVar variation 2648323 (VCV002648323.24), dbSNP rs2509705736, ClinGen allele CA2695200343.